The following is an entry in ClinVar:

NM_006206.6(PDGFRA):c.1866G>A (p.Met622Ile)

Gene: PDGFRA (platelet derived growth factor receptor alpha; plus strand). Cytogenetic location: 4q12.
Variant type: single nucleotide variant.
Coding change: c.1866G>A on transcript NM_006206.6 (MANE Select); coding-DNA position 1866, G replaced by A.
Protein change: p.Met622Ile; replaces methionine 622 with isoleucine.
Molecular consequence: missense variant.
Genome position (GRCh38, 1-based): chr4:54,277,467, G>A. VCF-style: chr4-54277467-G-A. GRCh37 (hg19) VCF-style: chr4-55143634-G-A.
Other names: c.1866G>A, p.Met622Ile (NM_001347827.2, NM_001347829.2); c.1941G>A, p.Met647Ile (NM_001347828.2); c.1905G>A, p.Met635Ile (NM_001347830.2); short protein forms M622I, M635I, M647I.
Identifiers: ClinVar variation 1024334 (VCV001024334.16), dbSNP rs1723803110, ClinGen allele CA356893490.

ClinVar aggregate classification (germline): Uncertain significance (1 of 4 stars; one submission).

Conditions:
Gastrointestinal stromal tumor. Also called: Gastrointestinal stromal tumor, somatic; Gastrointestinal stroma tumor. Identifiers: Orphanet 44890, MedGen C0238198, MeSH D046152, MONDO:0011719, OMIM 606764, HP:0100723.

Allele frequency attached by ClinVar (database versions not stated): TOPMed below 0.00001.

Submission:

Labcorp Genetics (formerly Invitae), Labcorp
Classification: Uncertain significance for Gastrointestinal stromal tumor. Last evaluated: 2023-10-30. Review status: criteria provided, single submitter. Criteria: Invitae Variant Classification Sherloc (09022015). Collection method: clinical testing. Allele origin: germline.
Comment: This sequence change replaces methionine, which is neutral and non-polar, with isoleucine, which is neutral and non-polar, at codon 622 of the PDGFRA protein (p.Met622Ile). This variant is not present in population databases (gnomAD no frequency). This variant has not been reported in the literature in individuals affected with PDGFRA-related conditions. ClinVar contains an entry for this variant (Variation ID: 1024334). Advanced modeling of protein sequence and biophysical properties (such as structural, functional, and spatial information, amino acid conservation, physicochemical variation, residue mobility, and thermodynamic stability) performed at Invitae indicates that this missense variant is not expected to disrupt PDGFRA protein function with a negative predictive value of 80%. In summary, the available evidence is currently insufficient to determine the role of this variant in disease. Therefore, it has been classified as a Variant of Uncertain Significance.